The following is an entry in ClinVar:

ClinVar aggregate classification (germline): Pathogenic (1 of 4 stars; one submission).

Conditions:
Epilepsy, familial focal, with variable foci 3 (FFEVF3). Identifiers: MedGen C4310708, MONDO:0014925, OMIM 617118.

Submission:

Labcorp Genetics (formerly Invitae), Labcorp
Classification: Pathogenic for Epilepsy, familial focal, with variable foci 3. Last evaluated: 2022-10-10. Review status: criteria provided, single submitter. Criteria: Invitae Variant Classification Sherloc (09022015). Collection method: clinical testing. Allele origin: germline.
Comment: This variant is a gross deletion of the genomic region encompassing exon(s) 3-7 of the NPRL3 gene. This deletion is out-of-frame, and is expected to create a premature termination codon and result in an absent or disrupted protein product. Loss-of-function variants in NPRL3 are known to be pathogenic (PMID: 26285051, 26505888). This variant has not been reported in the literature in individuals affected with NPRL3-related conditions. For these reasons, this variant has been classified as Pathogenic.

Literature cited by the submitters: PubMed 26285051; PubMed 26505888.

NC_000016.9:g.(?_160503)_(180610_?)del

Gene: NPRL3 (NPR3 like, GATOR1 complex subunit; minus strand). Cytogenetic location: 16p13.3.
Variant type: Deletion.
Identifiers: ClinVar variation 2423613 (VCV002423613.3).